The following is an entry in ClinVar:

ClinVar aggregate classification (germline): Likely benign. Review status: criteria provided, multiple submitters, no conflicts (2 of 4 stars). 2 submissions from 2 submitters: Likely benign (2). Last evaluated 2025-05-22.

Conditions:
Idiopathic generalized epilepsy. Also called: EIG; Generalised epilepsy. Identifiers: MedGen C0270850, MONDO:0005579, OMIM 600669.

Allele frequency attached by ClinVar (database versions not stated): TOPMed 0.00010; ExAC 0.00014; ESP Exome Variant Server 0.00023.
gnomAD v4.1: 231 of 1,613,186 alleles (0.014%); highest among the groups gnomAD compares: Non-Finnish European, 0.019%; no homozygotes.

Submissions (2):

Labcorp Genetics (formerly Invitae), Labcorp
Classification: Likely benign for Idiopathic generalized epilepsy. Last evaluated: 2025-05-22. Review status: criteria provided, single submitter. Criteria: Invitae Variant Classification Sherloc (09022015). Collection method: clinical testing. Allele origin: germline.

CeGaT Center for Human Genetics Tuebingen
Classification: Likely benign. Last evaluated: 2022-05-01. Review status: criteria provided, single submitter. Criteria: CeGaT Center For Human Genetics Tuebingen Variant Classification Criteria Version 2. Collection method: clinical testing. Allele origin: germline. Affected: yes. Observed: 1 variant allele.
Comment: RBFOX1: BP4, BP7

NM_018723.4(RBFOX1):c.51C>A (p.Ala17=)

Gene: RBFOX1 (RNA binding fox-1 homolog 1; plus strand). Cytogenetic location: 16p13.3.
Variant type: single nucleotide variant.
Coding change: c.51C>A on transcript NM_018723.4 (MANE Select); coding-DNA position 51, C replaced by A.
Protein change: p.Ala17=; no amino-acid change (alanine 17 retained).
Molecular consequence: synonymous variant.
Genome position (GRCh38, 1-based): chr16:7,518,170, C>A. VCF-style: chr16-7518170-C-A. GRCh37 (hg19) VCF-style: chr16-7568172-C-A.
Other names: c.51C>A, p.Ala17= (NM_001142333.2, NM_001142334.2, NM_001364800.2); c.180C>A, p.Ala60= (NM_001308117.1); c.111C>A, p.Ala37= (NM_145891.3, NM_145892.3, NM_145893.3).
Identifiers: ClinVar variation 1080179 (VCV001080179.33), dbSNP rs139265655, ClinGen allele CA7891298.